The following is an entry in ClinVar:

ClinVar aggregate classification (germline): Uncertain significance (1 of 4 stars; one submission).

Submission:

GeneDx
Classification: Uncertain significance. Last evaluated: 2024-12-15. Review status: criteria provided, single submitter. Criteria: GeneDx Variant Classification Process June 2021. Collection method: clinical testing. Allele origin: germline. Affected: yes.
Comment: Not observed at significant frequency in large population cohorts (gnomAD); Frameshift variant predicted to result in abnormal protein length as the last 79 amino acids are replaced with 36 different amino acids; Has not been previously published as pathogenic or benign to our knowledge

NM_033163.5(FGF8):c.497_498delinsCACAGCGCT (p.Asn166fs)

Gene: FGF8 (fibroblast growth factor 8; minus strand). Cytogenetic location: 10q24.32.
Variant type: Indel.
Coding change: c.497_498delinsCACAGCGCT on transcript NM_033163.5 (MANE Select); coding-DNA positions 497 to 498, AC replaced by CACAGCGCT.
Protein change: p.Asn166fs; shifts the reading frame from asparagine 166.
Molecular consequence: frameshift variant.
Genome position (GRCh38, 1-based): chr10:101,770,566-101,770,567, GT replaced by AGCGCTGTG on the plus strand (AC replaced by CACAGCGCT on the coding strand, the reverse complement: FGF8 is on the minus strand). VCF-style: chr10-101770566-GT-AGCGCTGTG. GRCh37 (hg19) VCF-style: chr10-103530323-GT-AGCGCTGTG.
Other names: c.185_186delinsCACAGCGCT, p.Asn62fs (NM_001206389.2); c.410_411delinsCACAGCGCT, p.Asn137fs (NM_006119.6); c.464_465delinsCACAGCGCT, p.Asn155fs (NM_033164.4); c.377_378delinsCACAGCGCT, p.Asn126fs (NM_033165.5); short protein forms N126fs, N137fs, N155fs, N166fs, N62fs.
Identifiers: ClinVar variation 3903059 (VCV003903059.1).
Genomic context (GRCh38, chr10:101,770,566, plus strand): 5'-GCCCTTGCGGGTGAAGGCCATGTACCAGCCCTCGTACTTGGCATTCTGCAGCGCTGTGTA[GT>AGCGCTGTG]TGTTCTCCAGCACAATCTCCGTGAAGACGCAGTCCTTGCCTTTGCCGTTGCTCTGCAGGT-3'